The following is an entry in ClinVar:

NM_177924.5(ASAH1):c.27A>C (p.Leu9Phe)

Genes: ASAH1 (N-acylsphingosine amidohydrolase 1; minus strand), LOC129999940 (ATAC-STARR-seq lymphoblastoid silent region 18966; plus strand). Cytogenetic location: 8p22.
Variant type: single nucleotide variant.
Coding change: c.27A>C on transcript NM_177924.5 (MANE Select); coding-DNA position 27, A replaced by C.
Protein change: p.Leu9Phe; replaces leucine 9 with phenylalanine.
Molecular consequence: missense variant. On other transcripts: intron variant (2).
Genome position (GRCh38, 1-based): chr8:18,084,032, T>G on the plus strand (A>C on the coding strand, the complement: ASAH1 is on the minus strand). VCF-style: chr8-18084032-T-G. GRCh37 (hg19) VCF-style: chr8-17941541-T-G.
Other names: c.126+644A>C (NM_004315.6, NM_001127505.3); c.27A>C (NM_177924.3); short protein forms L9F.
Identifiers: ClinVar variation 1352128 (VCV001352128.9), dbSNP rs759177869, ClinGen allele CA4651132.
Genomic context (GRCh38, chr8:18,084,032, plus strand): 5'-CTCACTCACCGGCGGCGCGTGCTGCGCGACGGCACAGCTGACGGCGGCAGCCAGGAGGAC[T>G]AAGGCGACGCAACTCCGGCCCGGCATCGCTCTAGCAGCCAACGCCACTCCCCGGACTCCA-3'
Protein context (NP_808592.2, residues 1-19): MPGRSCVA[Leu9Phe]VLLAAAVSCA

ClinVar aggregate classification (germline): Conflicting classifications of pathogenicity. Review status: criteria provided, conflicting classifications (1 of 4 stars). 2 submissions from 2 submitters: Uncertain significance (1); Likely benign (1). Last evaluated 2024-08-13.

Conditions:
Inborn genetic diseases. Identifiers: MedGen C0950123, MeSH D030342.

Allele frequency attached by ClinVar (database versions not stated): gnomAD 0.00005; ExAC 0.00015; gnomAD exomes 0.00015.
gnomAD v4.1: 120 of 1,598,566 alleles (0.0075%); highest among the groups gnomAD compares: South Asian, 0.13%; no homozygotes.

Submissions (2):

Labcorp Genetics (formerly Invitae), Labcorp
Classification: Uncertain significance. Last evaluated: 2024-08-13. Review status: criteria provided, single submitter. Criteria: Invitae Variant Classification Sherloc (09022015). Collection method: clinical testing. Allele origin: germline.
Comment: This sequence change replaces leucine, which is neutral and non-polar, with phenylalanine, which is neutral and non-polar, at codon 9 of the ASAH1 protein (p.Leu9Phe). This variant is present in population databases (rs759177869, gnomAD 0.1%). This variant has not been reported in the literature in individuals affected with ASAH1-related conditions. ClinVar contains an entry for this variant (Variation ID: 1352128). An algorithm developed to predict the effect of missense changes on protein structure and function (PolyPhen-2) suggests that this variant¬†is likely to be tolerated. In summary, the available evidence is currently insufficient to determine the role of this variant in disease. Therefore, it has been classified as a Variant of Uncertain Significance.

Ambry Genetics
Classification: Likely benign for Inborn genetic diseases. Last evaluated: 2023-06-26. Review status: criteria provided, single submitter. Criteria: Ambry Variant Classification Scheme 2023. Collection method: clinical testing. Allele origin: germline.